The following is an entry in ClinVar:

ClinVar aggregate classification (germline): Likely benign (0 of 4 stars; one submission).

Conditions:
PRKCH-related disorder. Also called: PRKCH-related condition.

Allele frequency attached by ClinVar (database versions not stated): 1000 Genomes Project 30x 0.00031; TOPMed 0.00032; 1000 Genomes Project 0.00040; ESP Exome Variant Server 0.00046; gnomAD 0.00071; ExAC 0.00105.
gnomAD v4.1: 1,171 of 1,614,202 alleles (0.073%); highest among the groups gnomAD compares: Non-Finnish European, 0.062%; 2 homozygotes.

Submission:

PreventionGenetics, part of Exact Sciences
Classification: Likely benign for PRKCH-related condition. Last evaluated: 2022-04-01. Review status: no assertion criteria provided. Collection method: clinical testing. Allele origin: germline.
Comment: This variant is classified as likely benign based on ACMG/AMP sequence variant interpretation guidelines (Richards et al. 2015 PMID: 25741868, with internal and published modifications).

NM_006255.5(PRKCH):c.1834C>T (p.Pro612Ser)

Gene: PRKCH (protein kinase C eta; plus strand). Cytogenetic location: 14q23.1.
Variant type: single nucleotide variant.
Coding change: c.1834C>T on transcript NM_006255.5 (MANE Select); coding-DNA position 1834, C replaced by T.
Protein change: p.Pro612Ser; replaces proline 612 with serine.
Molecular consequence: missense variant.
Genome position (GRCh38, 1-based): chr14:61,547,815, C>T. VCF-style: chr14-61547815-C-T. GRCh37 (hg19) VCF-style: chr14-62014533-C-T.
Other names: short protein forms P612S.
Identifiers: ClinVar variation 3047670 (VCV003047670.2), dbSNP rs34159231, ClinGen allele CA7215503.
Genomic context (GRCh38, chr14:61,547,815, plus strand): 5'-AACCCCACCATGCGCTTGGGCAGCCTGACTCAGGGAGGCGAGCACGCCATCTTGAGACAT[C>T]CTTTTTTTAAGGAAATCGACTGGGCCCAGCTGAACCATCGCCAAATAGAACCGCCTTTCA-3'
Protein context (NP_006246.2, residues 602-622): QGGEHAILRH[Pro612Ser]FFKEIDWAQL